The following is an entry in ClinVar:

ClinVar aggregate classification (germline): Pathogenic (1 of 4 stars; one submission).

Conditions:
Joubert syndrome 30. Identifiers: MedGen C4539937, MONDO:0033308, OMIM 617622.

gnomAD v4.1: 2 of 1,609,008 alleles (0.00012%); highest among the groups gnomAD compares: East Asian, 0.0045%; no homozygotes.

Submission:

3billion
Classification: Pathogenic for Joubert syndrome 30. Last evaluated: 2024-11-27. Review status: criteria provided, single submitter. Criteria: ACMG Guidelines, 2015. Collection method: clinical testing. Allele origin: germline. Affected: yes.
Comment: The variant is observed at an extremely low frequency in the gnomAD v4.1.0 dataset (total allele frequency: <0.001%). Predicted Consequence/Location: Canonical splice site: predicted to alter splicing and result in a loss or disruption of normal protein function. Multiple pathogenic loss-of-function variants are reported downstream of the variant. In silico tools predict the variant to alter splicing and produce an abnormal transcript [SpliceAI: 1.00 (spliceogenicity >=0.2, non-spliceogenicity <0.1)]. The variant has been reported to be associated with ARMC9 related disorder (PMID: 35186037). Therefore, this variant is classified as Pathogenic according to the recommendation of ACMG/AMP guideline.

Literature cited by the submitters: PubMed 35186037.

NM_001352754.2(ARMC9):c.1878+1G>A

Gene: ARMC9 (armadillo repeat containing 9; plus strand). Cytogenetic location: 2q37.1.
Variant type: single nucleotide variant.
Coding change: c.1878+1G>A on transcript NM_001352754.2 (MANE Select); the canonical splice donor site of the intron after coding-DNA position 1878, G replaced by A.
Molecular consequence: splice donor variant. On other transcripts: intron variant (1).
Genome position (GRCh38, 1-based): chr2:231,331,898, G>A. VCF-style: chr2-231331898-G-A. GRCh37 (hg19) VCF-style: chr2-232196610-G-A.
Other names: c.1878+1G>A (NM_001271466.4, NM_001352755.2, NM_001352756.2 and 2 more transcripts); c.1774-13077G>A (NM_001352759.2); c.1779+1G>A (NM_001352757.2, NM_001352758.2).
Identifiers: ClinVar variation 4292717 (VCV004292717.1).